The following is an entry in ClinVar:

NM_003000.3(SDHB):c.286+5G>A

Gene: SDHB (succinate dehydrogenase complex iron sulfur subunit B; minus strand). Cytogenetic location: 1p36.13.
Variant type: single nucleotide variant.
Coding change: c.286+5G>A on transcript NM_003000.3 (MANE Select); 5 bases into the intron after coding-DNA position 286, G replaced by A.
Molecular consequence: intron variant.
Genome position (GRCh38, 1-based): chr1:17,033,055, C>T on the plus strand (G>A on the coding strand, the complement: SDHB is on the minus strand). VCF-style: chr1-17033055-C-T. GRCh37 (hg19) VCF-style: chr1-17359550-C-T.
Identifiers: ClinVar variation 1037544 (VCV001037544.10), dbSNP rs768966871, ClinGen allele CA1156084144.
Genomic context (GRCh38, chr1:17,033,055, plus strand): 5'-TGGCCAGCCCAAGCCTCTTTGGAAGACCACAAGTATCTGGAGCCCAACAGGAATGAAATG[C>T]TCACCTTCTCTGCATGATCTTCGGAAGGTCAAAGTAGAGTCAACTTCATTCTTAATCTTG-3'

ClinVar aggregate classification (germline): Uncertain significance. Review status: criteria provided, multiple submitters, no conflicts (2 of 4 stars). 4 submissions from 4 submitters: Uncertain significance (4). Last evaluated 2026-03-02.

Conditions:
Hereditary pheochromocytoma and paraganglioma. Also called: Hereditary paragangliomas and pheochromocytomas; Hereditary Paraganglioma-Pheochromocytoma Syndromes; Hereditary pheochromocytoma-paraganglioma. Identifiers: Orphanet 29072, MedGen C4274332, MONDO:0017366.
Pheochromocytoma. Also called: MAX-Related Hereditary Paraganglioma-Pheochromocytoma Syndrome. Identifiers: Orphanet 29072, MedGen C0031511, MONDO:0008233, OMIM 171300, HP:0002666.
Gastrointestinal stromal tumor. Also called: Gastrointestinal stromal tumor, somatic; Gastrointestinal stroma tumor. Identifiers: Orphanet 44890, MedGen C0238198, MeSH D046152, MONDO:0011719, OMIM 606764, HP:0100723.
Pheochromocytoma/paraganglioma syndrome 4. Also called: CAROTID BODY TUMORS AND MULTIPLE EXTRAADRENAL PHEOCHROMOCYTOMAS; SDHB-Related Hereditary Paraganglioma-Pheochromocytoma Syndrome (Paragangliomas 4); Paragangliomas 4; SDHB-Related Hereditary Paraganglioma-Pheochromocytoma Syndrome; PARAGANGLIOMA, FAMILIAL MALIGNANT; PARAGANGLIOMAS, HEREDITARY EXTRAADRENAL. Identifiers: Orphanet 29072, MedGen C1861848, MONDO:0007273, OMIM 115310.
Hereditary cancer-predisposing syndrome. Also called: Tumor predisposition; Neoplastic Syndromes, Hereditary; Hereditary neoplastic syndrome; Hereditary Cancer Syndrome. Identifiers: Orphanet 140162, MedGen C0027672, MeSH D009386, MONDO:0015356.

gnomAD v4.1: 2 of 1,610,488 alleles (0.00012%); highest among the groups gnomAD compares: Non-Finnish European, 0.000085%; no homozygotes.

Submissions (4):

Ambry Genetics
Classification: Uncertain significance for Hereditary cancer-predisposing syndrome. Last evaluated: 2026-03-02. Review status: criteria provided, single submitter. Criteria: Ambry Variant Classification Scheme 2023. Collection method: clinical testing. Allele origin: germline.
Comment: The c.286+5G>A intronic variant results from a G to A substitution 5 nucleotides after coding exon 3 in the SDHB gene. This nucleotide position is highly conserved in available vertebrate species. In silico splice site analysis predicts that this alteration will weaken the native splice donor site. Based on the available evidence, the clinical significance of this variant remains unclear.

Labcorp Genetics (formerly Invitae), Labcorp
Classification: Uncertain significance for Gastrointestinal stromal tumor; Pheochromocytoma/paraganglioma syndrome 4; Pheochromocytoma. Last evaluated: 2025-07-30. Review status: criteria provided, single submitter. Criteria: Invitae Variant Classification Sherloc (09022015). Collection method: clinical testing. Allele origin: germline.
Comment: This sequence change falls in intron 3 of the SDHB gene. It does not directly change the encoded amino acid sequence of the SDHB protein. It affects a nucleotide within the consensus splice site. This variant is not present in population databases (gnomAD no frequency). This variant has not been reported in the literature in individuals affected with SDHB-related conditions. ClinVar contains an entry for this variant (Variation ID: 1037544). Variants that disrupt the consensus splice site are a relatively common cause of aberrant splicing (PMID: 17576681, 9536098). Studies have shown that this variant is associated with inconclusive levels of altered splicing (internal data). In summary, the available evidence is currently insufficient to determine the role of this variant in disease. Therefore, it has been classified as a Variant of Uncertain Significance.

All of Us Research Program, National Institutes of Health
Classification: Uncertain significance for Hereditary pheochromocytoma and paraganglioma. Last evaluated: 2024-04-16. Review status: criteria provided, single submitter. Criteria: ACMG Guidelines, 2015. Collection method: clinical testing. Allele origin: germline. Inheritance: Autosomal dominant inheritance. Observed: 2 variant alleles, 2 heterozygotes.
Comment: This variant causes a G to A nucleotide substitution at the +5 position of intron 3 of the SDHB gene. Splice site prediction tools predict that this variant may have a significant impact on RNA splicing, although this prediction has not been confirmed in published RNA studies. This variant has not been reported in individuals affected with SDHB-related disorders in the literature. This variant has not been identified in the general population by the Genome Aggregation Database (gnomAD). The available evidence is insufficient to determine the role of this variant in disease conclusively. Therefore, this variant is classified as a Variant of Uncertain Significance.

This study involves interpretation of variants in research participants for the purpose of population health screening. Participant phenotype was not available at the time of variant classification. Additional details can be found in publication PMID: 35346344, PMCID: PMC8962531

Baylor Genetics
Classification: Uncertain significance for Gastrointestinal stromal tumor. Last evaluated: 2023-07-11. Review status: criteria provided, single submitter. Criteria: ACMG Guidelines, 2015. Collection method: clinical testing. Allele origin: unknown.

Literature cited by the submitters: PubMed 17576681 (cited by Labcorp Genetics (formerly Invitae), Labcorp); PubMed 9536098 (cited by Labcorp Genetics (formerly Invitae), Labcorp).